The following is an entry in ClinVar:

NM_000257.4(MYH7):c.67C>T (p.Arg23Trp)

Gene: MYH7 (myosin heavy chain 7; minus strand). Cytogenetic location: 14q11.2.
Variant type: single nucleotide variant.
Coding change: c.67C>T on transcript NM_000257.4 (MANE Select); coding-DNA position 67, C replaced by T.
Protein change: p.Arg23Trp; replaces arginine 23 with tryptophan.
Molecular consequence: missense variant.
Genome position (GRCh38, 1-based): chr14:23,433,666, G>A on the plus strand (C>T on the coding strand, the complement: MYH7 is on the minus strand). VCF-style: chr14-23433666-G-A. GRCh37 (hg19) VCF-style: chr14-23902875-G-A.
Other names: p.R23W:CGG>TGG; c.67C>T (LRG_384t1); short protein forms R23W.
Identifiers: ClinVar variation 181295 (VCV000181295.26), dbSNP rs730880828, ClinGen allele CA016626.

ClinVar aggregate classification (germline): Uncertain significance. Review status: criteria provided, multiple submitters, no conflicts (2 of 4 stars). 10 submissions from 10 submitters: Uncertain significance (8). 2 of the submissions do not count toward it. Last evaluated 2026-03-27.

Conditions:
Myosin storage myopathy (CMYO7A). Also called: MYOPATHY, HYALINE BODY, AUTOSOMAL DOMINANT; Scapuloperoneal myopathy, MYH7-related; MYH7-related late-onset scapuloperoneal muscular dystrophy; Congenital myopathy 7A, myosin storage, autosomal dominant; SCAPULOPERONEAL MUSCULAR DYSTROPHY; SCAPULOPERONEAL SYNDROME, MYOPATHIC TYPE. Identifiers: Orphanet 437572, Orphanet 636965, MedGen C1842160, MONDO:0008409, OMIM 608358.
MYH7-related skeletal myopathy. Also called: MYOPATHY, DISTAL, EARLY-ONSET, AUTOSOMAL DOMINANT; MYOPATHY, LATE DISTAL HEREDITARY; Laing distal myopathy; Myopathy, distal, 1; Laing early-onset distal myopathy. Identifiers: Orphanet 59135, MedGen C4552004, MONDO:0008050, OMIM 160500.
Hypertrophic cardiomyopathy 1 (CMH1). Also called: MYH7-Related Familial Hypertrophic Cardiomyopathy; Familial hypertrophic cardiomyopathy 1. Identifiers: MedGen C3495498, MONDO:0008647, OMIM 192600.
Myopathy, myosin storage, autosomal recessive (CMYO7B). Also called: CONGENITAL MYOPATHY 7B, MYOSIN STORAGE, AUTOSOMAL RECESSIVE. Identifiers: Orphanet 636970, MedGen C1850709, MONDO:0009708, OMIM 255160.
Congenital myopathy with fiber type disproportion. Also called: Congenital fiber-type disproportion; Congenital fiber-type disproportion myopathy. Identifiers: Orphanet 2020, MedGen C0546264, MONDO:0009711. Inheritance: all.
Dilated cardiomyopathy 1S (CMD1S). Identifiers: Orphanet 154, Orphanet 54260, MedGen C1834481, MONDO:0013262, OMIM 613426.
Cardiovascular phenotype. Identifiers: MedGen CN230736.
Cardiomyopathy (CMYO). Also called: Cardiomyopathies. Identifiers: Orphanet 167848, MedGen C0878544, MONDO:0004994, HP:0001638. Inheritance: Various modes of inheritance.
Hypertrophic cardiomyopathy. Also called: HYPERTROPHIC MYOCARDIOPATHY. Identifiers: Orphanet 217569, MedGen C0007194, MeSH D002312, MONDO:0005045, HP:0001639.

Allele frequency attached by ClinVar (database versions not stated): gnomAD exomes 0.00003 and 0.00002; ExAC 0.00002; gnomAD 0.00005; TOPMed 0.00003.
gnomAD v4.1: 54 of 1,614,132 alleles (0.0033%); highest among the groups gnomAD compares: African/African-American, 0.0053%; no homozygotes.

Submissions (10):

Ambry Genetics
Classification: Uncertain significance for Cardiovascular phenotype. Last evaluated: 2026-03-27. Review status: criteria provided, single submitter. Criteria: Ambry Variant Classification Scheme 2023. Collection method: clinical testing. Allele origin: germline.
Comment: The p.R23W variant (also known as c.67C>T), located in coding exon 1 of the MYH7 gene, results from a C to T substitution at nucleotide position 67. The arginine at codon 23 is replaced by tryptophan, an amino acid with dissimilar properties. This alteration has been seen in exome and electronic medical record cohorts, but detailed cardiovascular history was not provided (Homburger JR et al. Proc Natl Acad Sci U S A, 2016 Jun;113:6701-6). This variant was reported in individual(s) with features consistent with MYH7-related cardiomyopathy (Wang C et al. J Am Heart Assoc, 2017 Aug;6:; Hirono K et al. J Clin Med, 2020 Mar;9:; Janin A et al. Mol Diagn Ther, 2021 May;25:373-385). This variant was detected in a cardiomyopathy/arrhythmia genetic testing cohort; however, clinical details were limited, and additional cardiac variants were detected in some cases (van Lint FHM et al. Neth Heart J, 2019 Jun;27:304-309). This amino acid position is highly conserved in available vertebrate species. In addition, the in silico prediction for this alteration is inconclusive. Based on the available evidence, the clinical significance of this variant remains unclear.

Women's Health and Genetics/Laboratory Corporation of America, LabCorp
Classification: Uncertain significance. Last evaluated: 2026-03-20. Review status: criteria provided, single submitter. Criteria: LabCorp Variant Classification Summary - May 2015. Collection method: clinical testing. Allele origin: germline.
Comment: Variant summary: MYH7 c.67C>T (p.Arg23Trp) results in a non-conservative amino acid change in the encoded protein sequence. Algorithms developed to predict the effect of missense changes on protein structure and function all suggest that this variant is likely to be disruptive. The variant allele was found at a frequency of 2.4e-05 in 251416 control chromosomes. The available data on variant occurrences in the general population are insufficient to allow any conclusion about variant significance. c.67C>T has been observed in individuals affected with Dilated Cardiomyopathy, Left Ventricular Noncompaction, and Noncompaction Cardiomyopathy, without strong evidence for causality (Wang_2017, van Lint_2019). These reports do not provide unequivocal conclusions about association of the variant with Cardiomyopathy. To our knowledge, no experimental evidence demonstrating an impact on protein function has been reported. The following publications have been ascertained in the context of this evaluation (PMID: 28855170, 30847666, 32600061). ClinVar contains an entry for this variant (Variation ID: 181295). Based on the evidence outlined above, the variant was classified as uncertain significance.

Labcorp Genetics (formerly Invitae), Labcorp
Classification: Uncertain significance for Hypertrophic cardiomyopathy. Last evaluated: 2025-01-12. Review status: criteria provided, single submitter. Criteria: Invitae Variant Classification Sherloc (09022015). Collection method: clinical testing. Allele origin: germline.
Comment: This sequence change replaces arginine, which is basic and polar, with tryptophan, which is neutral and slightly polar, at codon 23 of the MYH7 protein (p.Arg23Trp). This variant is present in population databases (rs730880828, gnomAD 0.008%). This missense change has been observed in individual(s) with clinical features of MYH7-related conditions (PMID: 28855170, 30847666). ClinVar contains an entry for this variant (Variation ID: 181295). Invitae Evidence Modeling of protein sequence and biophysical properties (such as structural, functional, and spatial information, amino acid conservation, physicochemical variation, residue mobility, and thermodynamic stability) indicates that this missense variant is expected to disrupt MYH7 protein function with a positive predictive value of 95%. In summary, the available evidence is currently insufficient to determine the role of this variant in disease. Therefore, it has been classified as a Variant of Uncertain Significance.

All of Us Research Program, National Institutes of Health
Classification: Uncertain significance for Cardiomyopathy. Last evaluated: 2023-12-13. Review status: criteria provided, single submitter. Criteria: ACMG Guidelines, 2015. Collection method: clinical testing. Allele origin: germline. Inheritance: Autosomal dominant inheritance. Observed: 5 variant alleles, 5 heterozygotes.
Comment: This missense variant replaces arginine with tryptophan at codon 23 of the MYH7 protein. Computational prediction suggests that this variant may have a deleterious impact on protein structure and function (internally defined REVEL score threshold >= 0.7, PMID: 27666373). To our knowledge, functional studies have not been reported for this variant. This variant has been reported in an individual affected with dilated cardiomyopathy (PMID: 30847666), in an individual affected with left ventricular noncompaction (PMID: 28855170, 32183154, 32600061), and in an individual affected with noncompaction cardiomyopathy (PMID: 30847666). This variant has been identified in 7/282814 chromosomes in the general population by the Genome Aggregation Database (gnomAD). The available evidence is insufficient to determine the role of this variant in disease conclusively. Therefore, this variant is classified as a Variant of Uncertain Significance.

This study involves interpretation of variants in research participants for the purpose of population health screening. Participant phenotype was not available at the time of variant classification. Additional details can be found in publication PMID: 35346344, PMCID: PMC8962531

Color Diagnostics, LLC DBA Color Health
Classification: Uncertain significance for Cardiomyopathy. Last evaluated: 2023-07-25. Review status: criteria provided, single submitter. Criteria: ACMG Guidelines, 2015. Collection method: clinical testing. Allele origin: germline.
Comment: This missense variant replaces arginine with tryptophan at codon 23 of the MYH7 protein. Computational prediction suggests that this variant may have a deleterious impact on protein structure and function (internally defined REVEL score threshold >= 0.7, PMID: 27666373). To our knowledge, functional studies have not been reported for this variant. This variant has been reported in an individual affected with dilated cardiomyopathy (PMID: 30847666), in an individual affected with left ventricular noncompaction (PMID: 28855170, 32183154, 32600061), and in an individual affected with noncompaction cardiomyopathy (PMID: 30847666). This variant has been identified in 7/282814 chromosomes in the general population by the Genome Aggregation Database (gnomAD). The available evidence is insufficient to determine the role of this variant in disease conclusively. Therefore, this variant is classified as a Variant of Uncertain Significance.

Revvity Omics, Revvity
Classification: Uncertain significance. Last evaluated: 2022-06-07. Review status: criteria provided, single submitter. Criteria: ACMG Guidelines, 2015. Collection method: clinical testing. Allele origin: germline.

Fulgent Genetics
Classification: Uncertain significance for MYH7-related skeletal myopathy; Myosin storage myopathy; Hypertrophic cardiomyopathy 1; Myopathy, myosin storage, autosomal recessive; Congenital myopathy 4A, autosomal dominant; Dilated cardiomyopathy 1S. Last evaluated: 2021-07-28. Review status: criteria provided, single submitter. Criteria: ACMG Guidelines, 2015. Collection method: clinical testing. Allele origin: unknown.

GeneDx
Classification: Uncertain significance. Last evaluated: 2015-08-19. Review status: criteria provided, single submitter. Criteria: GeneDx Variant Classification (06012015). Collection method: clinical testing. Allele origin: germline. Affected: yes.
Comment: p.Arg23Trp (CGG>TGG): c.67 C>T in exon 3 of the MYH7 gene (NM_000257.2). The Arg23Trp variant in the MYH7 gene has not been reported as a disease-causing mutation or as a benign polymorphism to our knowledge. Arg23Trp results in a non-conservative amino acid substitution of a positively charged Arginine with a non-polar Tryptophan at a position that is conserved across species. In silico analysis predicts Arg23Trp is probably damaging to the protein structure/function. The NHLBI ESP Exome Variant Server reports Arg23Trp was not observed in approximately 6,500 samples from individuals of European and African American backgrounds, indicating it is not a common benign variant in these populations. Nevertheless, no definitive mutations in nearby residues have been reported in association with HCM. With the clinical and molecular information available at this time, we cannot definitively determine if Arg23Trp is a disease-causing mutation or a rare benign variant. The variant is found in HCM panel(s).

Clinical Genetics, Academic Medical Center
Classification: Uncertain significance. Review status: no assertion criteria provided. Collection method: clinical testing. Allele origin: germline. Affected: yes. Study: VKGL Data-share Consensus. Not counted in ClinVar's aggregate classification.

Joint Genome Diagnostic Labs from Nijmegen and Maastricht, Radboudumc and MUMC+
Classification: Uncertain significance. Review status: no assertion criteria provided. Collection method: clinical testing. Allele origin: germline. Affected: yes. Study: VKGL Data-share Consensus. Not counted in ClinVar's aggregate classification.

Literature cited by the submitters: PubMed 27247418 (cited by Ambry Genetics); PubMed 28855170 (cited by 5 submitters); PubMed 30847666 (cited by 5 submitters); PubMed 32183154 (cited by 3 submitters); PubMed 33954932 (cited by Ambry Genetics); PubMed 32600061 (cited by 3 submitters).